The following is an entry in ClinVar:

ClinVar aggregate classification (germline): Uncertain significance (1 of 4 stars; one submission).

Submission:

GeneDx
Classification: Uncertain significance. Last evaluated: 2025-01-21. Review status: criteria provided, single submitter. Criteria: GeneDx Variant Classification Process June 2021. Collection method: clinical testing. Allele origin: germline.
Comment: Not observed at significant frequency in large population cohorts (gnomAD); In silico analysis supports that this missense variant has a deleterious effect on protein structure/function; Has not been previously published as pathogenic or benign to our knowledge

NM_003011.4(SET):c.496T>G (p.Leu166Val)

Gene: SET (SET nuclear proto-oncogene; plus strand). Cytogenetic location: 9q34.11.
Variant type: single nucleotide variant.
Coding change: c.496T>G on transcript NM_003011.4 (MANE Select); coding-DNA position 496, T replaced by G.
Protein change: p.Leu166Val; replaces leucine 166 with valine.
Molecular consequence: missense variant.
Genome position (GRCh38, 1-based): chr9:128,693,641, T>G. VCF-style: chr9-128693641-T-G. GRCh37 (hg19) VCF-style: chr9-131455920-T-G.
Other names: c.535T>G, p.Leu179Val (NM_001122821.2, NM_001374326.1); c.469T>G, p.Leu157Val (NM_001248000.2); c.463T>G, p.Leu155Val (NM_001248001.2); short protein forms L155V, L157V, L166V, L179V.
Identifiers: ClinVar variation 3365560 (VCV003365560.2).